The following is an entry in ClinVar:

ClinVar aggregate classification (germline): Pathogenic (1 of 4 stars; one submission).

Conditions:
Aortic valve disease 2 (AOVD2). Identifiers: MedGen C3542024, MONDO:0013902, OMIM 614823.

Submission:

Labcorp Genetics (formerly Invitae), Labcorp
Classification: Pathogenic for Aortic valve disease 2. Last evaluated: 2025-12-29. Review status: criteria provided, single submitter. Criteria: Invitae Variant Classification Sherloc (09022015). Collection method: clinical testing. Allele origin: germline.
Comment: This sequence change creates a premature translational stop signal (p.Tyr264Leufs*39) in the SMAD6 gene. It is expected to result in an absent or disrupted protein product. Loss-of-function variants in SMAD6 are known to be pathogenic (PMID: 28659821, 31138930, 32499606, 34953066). This variant is not present in population databases (gnomAD no frequency). This variant has not been reported in the literature in individuals affected with SMAD6-related conditions. For these reasons, this variant has been classified as Pathogenic.

Literature cited by the submitters: PubMed 28659821; PubMed 31138930; PubMed 32499606; PubMed 34953066.

NM_005585.5(SMAD6):c.789dup (p.Tyr264fs)

Gene: SMAD6 (SMAD family member 6; plus strand). Cytogenetic location: 15q22.31.
Variant type: Duplication.
Coding change: c.789dup on transcript NM_005585.5 (MANE Select); coding-DNA position 789, one base duplicated (C; older notation c.789dupC).
Protein change: p.Tyr264fs; shifts the reading frame from tyrosine 264.
Molecular consequence: frameshift variant. On other transcripts: non-coding transcript variant (1).
Genome position (GRCh38, 1-based): chr15:66,704,047, C duplicated; the last of 4 consecutive C bases (chr15:66,704,044-66,704,047); duplicating any one gives the same sequence. VCF-style (leftmost placement, unchanged base first): chr15-66704043-A-AC. GRCh37 (hg19) VCF-style: chr15-66996381-A-AC.
Other names: short protein forms Y264fs.
Identifiers: ClinVar variation 4744108 (VCV004744108.1).